The following is an entry in ClinVar:

NM_145038.5(DRC1):c.1251del (p.Phe417fs)

Gene: DRC1 (dynein regulatory complex subunit 1; plus strand). Cytogenetic location: 2p23.3.
Variant type: Deletion.
Coding change: c.1251del on transcript NM_145038.5 (MANE Select); coding-DNA position 1251, one base deleted (T; older notation c.1251delT).
Protein change: p.Phe417fs; shifts the reading frame from phenylalanine 417.
Molecular consequence: frameshift variant.
Genome position (GRCh38, 1-based): chr2:26,444,803, T deleted; the last of 3 consecutive T bases (chr2:26,444,801-26,444,803); deleting any one gives the same sequence. VCF-style (leftmost placement, unchanged base first): chr2-26444800-CT-C. GRCh37 (hg19) VCF-style: chr2-26667668-CT-C.
Other names: short protein forms F417fs.
Identifiers: ClinVar variation 4974974 (VCV004974974.1).

ClinVar aggregate classification (germline): Likely pathogenic (1 of 4 stars; one submission).

Conditions:
Spermatogenic failure 80 (SPGF80). Identifiers: MedGen C5774301, MONDO:0859364, OMIM 620222.
Primary ciliary dyskinesia 21. Also called: CILIARY DYSKINESIA, PRIMARY, 21, WITHOUT SITUS INVERSUS. Identifiers: Orphanet 244, MedGen C3809087, MONDO:0014123, OMIM 615294.

Submission:

Diagnostics Services (NGS), CSIR - Centre For Cellular And Molecular Biology
Classification: Likely pathogenic for Primary ciliary dyskinesia 21; Spermatogenic failure 80. Last evaluated: 2026-08-06. Review status: criteria provided, single submitter. Criteria: ACMG Guidelines, 2015. Collection method: clinical testing. Allele origin: germline. Affected: no. Observed: 1 variant allele, 1 heterozygote.